The following is an entry in ClinVar:

NM_000836.4(GRIN2D):c.2910G>T (p.Pro970=)

Gene: GRIN2D (glutamate ionotropic receptor NMDA type subunit 2D; plus strand). Cytogenetic location: 19q13.33.
Variant type: single nucleotide variant.
Coding change: c.2910G>T on transcript NM_000836.4 (MANE Select); coding-DNA position 2910, G replaced by T.
Protein change: p.Pro970=; no amino-acid change (proline 970 retained).
Molecular consequence: synonymous variant.
Genome position (GRCh38, 1-based): chr19:48,442,836, G>T. VCF-style: chr19-48442836-G-T. GRCh37 (hg19) VCF-style: chr19-48946093-G-T.
Identifiers: ClinVar variation 1879448 (VCV001879448.30), dbSNP rs771799381, ClinGen allele CA508264965.

ClinVar aggregate classification (germline): Likely benign. Review status: criteria provided, multiple submitters, no conflicts (2 of 4 stars). 2 submissions from 2 submitters: Likely benign (2). Last evaluated 2025-02-26.

Submissions (2):

Labcorp Genetics (formerly Invitae), Labcorp
Classification: Likely benign. Last evaluated: 2025-02-26. Review status: criteria provided, single submitter. Criteria: Invitae Variant Classification Sherloc (09022015). Collection method: clinical testing. Allele origin: germline.

CeGaT Center for Human Genetics Tuebingen
Classification: Likely benign. Last evaluated: 2022-12-01. Review status: criteria provided, single submitter. Criteria: CeGaT Center For Human Genetics Tuebingen Variant Classification Criteria Version 2. Collection method: clinical testing. Allele origin: germline. Affected: yes. Observed: 1 variant allele.
Comment: GRIN2D: PM2:Supporting, BP4, BP7